The following is an entry in ClinVar:

ClinVar aggregate classification (germline): Pathogenic (1 of 4 stars; one submission).

Submission:

GeneDx
Classification: Pathogenic. Last evaluated: 2014-03-06. Review status: criteria provided, single submitter. Criteria: GeneDx Variant Classification (06012015). Collection method: clinical testing. Allele origin: germline. Affected: yes.
Comment: p.Glu1561Stop (GAA>TAA): c.4681 G>T in exon 25 of the SCN1A gene (NM_001165963.1) The Glu1561Stop nonsense mutation in the SCN1A gene is predicted to cause loss of normal protein function either through protein truncation or nonsense-mediated mRNA decay. A missense mutation at this same position (Glu1561Lys) has been previously reported in association with Dravet syndrome (Depienne et al., 2009). The variant is found in INFANT-EPI panel(s).

NM_001165963.4(SCN1A):c.4681G>T (p.Glu1561Ter)

Genes: SCN1A (sodium voltage-gated channel alpha subunit 1; minus strand), LOC102724058 (uncharacterized LOC102724058; plus strand). Cytogenetic location: 2q24.3.
Variant type: single nucleotide variant.
Coding change: c.4681G>T on transcript NM_001165963.4 (MANE Select); coding-DNA position 4681, G replaced by T.
Protein change: p.Glu1561Ter; replaces glutamic acid 1561 with a stop codon.
Molecular consequence: nonsense. On other transcripts: non-coding transcript variant (1).
Genome position (GRCh38, 1-based): chr2:165,994,317, C>A on the plus strand (G>T on the coding strand, the complement: SCN1A is on the minus strand). VCF-style: chr2-165994317-C-A. GRCh37 (hg19) VCF-style: chr2-166850827-C-A.
Other names: p.E1561*:GAA>TAA; c.4597G>T, p.Glu1533Ter (NM_001165964.3, NM_001353957.2, NM_001353958.2); c.4681G>T, p.Glu1561Ter (NM_001202435.3, NM_001353948.2); c.4648G>T, p.Glu1550Ter (NM_001353949.2, NM_001353950.2, NM_001353951.2 and 2 more transcripts); c.4645G>T, p.Glu1549Ter (NM_001353954.2, NM_001353955.2); c.4594G>T, p.Glu1532Ter (NM_001353960.2); c.2239G>T, p.Glu747Ter (NM_001353961.2); short protein forms E1550*, E1561*, E1532*, E1549*, E1533*, E747*.
Identifiers: ClinVar variation 206843 (VCV000206843.2), dbSNP rs796053024, ClinGen allele CA317517.